The following is an entry in ClinVar:

NM_020884.7(MYH7B):c.3509G>A (p.Gly1170Asp)

Gene: MYH7B (myosin heavy chain 7B; plus strand). Cytogenetic location: 20q11.22.
Variant type: single nucleotide variant.
Coding change: c.3509G>A on transcript NM_020884.7 (MANE Select); coding-DNA position 3509, G replaced by A.
Protein change: p.Gly1170Asp; replaces glycine 1170 with aspartic acid.
Molecular consequence: missense variant.
Genome position (GRCh38, 1-based): chr20:34,997,402, G>A. VCF-style: chr20-34997402-G-A. GRCh37 (hg19) VCF-style: chr20-33585205-G-A.
Other names: c.3635G>A (NM_020884.4); short protein forms G1170D.
Identifiers: ClinVar variation 1650321 (VCV001650321.15), dbSNP rs201643368, ClinGen allele CA9827749.

ClinVar aggregate classification (germline): Likely benign. Review status: criteria provided, multiple submitters, no conflicts (2 of 4 stars). 4 submissions from 4 submitters: Likely benign (3). 1 of the submissions does not count toward it. Last evaluated 2026-03-01.

Conditions:
MYH7B-related disorder. Also called: MYH7B-related condition.

Allele frequency attached by ClinVar (database versions not stated): 1000 Genomes Project 0.00080; gnomAD 0.00094 and 0.00101; TOPMed 0.00108; ExAC 0.00521; ESP Exome Variant Server 0.00114; gnomAD exomes 0.00230.
gnomAD v4.1: 2,148 of 1,482,632 alleles (0.14%); highest among the groups gnomAD compares: Middle Eastern, 0.99%; 10 homozygotes.

Submissions (4):

CeGaT Center for Human Genetics Tuebingen
Classification: Likely benign. Last evaluated: 2026-03-01. Review status: criteria provided, single submitter. Criteria: CeGaT Center For Human Genetics Tuebingen Variant Classification Criteria Version 2. Collection method: clinical testing. Allele origin: germline. Affected: yes. Observed: 1 variant allele.
Comment: MYH7B: BS1

Labcorp Genetics (formerly Invitae), Labcorp
Classification: Likely benign. Last evaluated: 2026-01-09. Review status: criteria provided, single submitter. Criteria: Invitae Variant Classification Sherloc (09022015). Collection method: clinical testing. Allele origin: germline.

Breakthrough Genomics
Classification: Likely benign. Review status: criteria provided, single submitter. Criteria: ACMG Guidelines, 2015. Collection method: not provided. Allele origin: germline. Inheritance: Unknown mechanism. Affected: yes.

PreventionGenetics, part of Exact Sciences
Classification: Likely benign for MYH7B-related condition. Last evaluated: 2024-08-08. Review status: no assertion criteria provided. Collection method: clinical testing. Allele origin: germline. Not counted in ClinVar's aggregate classification.
Comment: This variant is classified as likely benign based on ACMG/AMP sequence variant interpretation guidelines (Richards et al. 2015 PMID: 25741868, with internal and published modifications).